The following is an entry in ClinVar:

NM_001927.4(DES):c.560T>C (p.Leu187Pro)

Gene: DES (desmin; plus strand). Cytogenetic location: 2q35.
Variant type: single nucleotide variant.
Coding change: c.560T>C on transcript NM_001927.4 (MANE Select); coding-DNA position 560, T replaced by C.
Protein change: p.Leu187Pro; replaces leucine 187 with proline.
Molecular consequence: missense variant. On other transcripts: intron variant (1).
Genome position (GRCh38, 1-based): chr2:219,419,022, T>C. VCF-style: chr2-219419022-T-C. GRCh37 (hg19) VCF-style: chr2-220283744-T-C.
Other names: c.560T>C (NM_001927.3); c.560T>C, p.Leu187Pro (NM_001382708.1, NM_001382709.1, NM_001382710.1 and 2 more transcripts); c.495+65T>C (NM_001382713.1); short protein forms L187P.
Identifiers: ClinVar variation 1678019 (VCV001678019.5), dbSNP rs1248833348, ClinGen allele CA350687119.

ClinVar aggregate classification (germline): Uncertain significance. Review status: criteria provided, multiple submitters, no conflicts (2 of 4 stars). 3 submissions from 3 submitters: Uncertain significance (3). Last evaluated 2025-06-05.

Conditions:
Desmin-related myofibrillar myopathy (MFM1). Also called: MYOFIBRILLAR MYOPATHY WITH ARRHYTHMOGENIC RIGHT VENTRICULAR CARDIOMYOPATHY; DESMIN-RELATED MYOPATHY WITH ARRHYTHMOGENIC RIGHT VENTRICULAR CARDIOMYOPATHY; Desmin related myopathy (former name); Desmin storage myopathy (former name); Desminopathy; Myofibrillar myopathy 1. Identifiers: Orphanet 363543, Orphanet 98909, MedGen C1832370, MONDO:0011076, OMIM 601419.

Submissions (3):

GeneDx
Classification: Uncertain significance. Last evaluated: 2025-06-05. Review status: criteria provided, single submitter. Criteria: GeneDx Variant Classification Process June 2021. Collection method: clinical testing. Allele origin: germline. Affected: yes.
Comment: Not observed at significant frequency in large population cohorts (gnomAD); In silico analysis supports that this missense variant has a deleterious effect on protein structure/function; Has not been previously published as pathogenic or benign to our knowledge; This variant is associated with the following publications: (PMID: 26807690)

Labcorp Genetics (formerly Invitae), Labcorp
Classification: Uncertain significance for Desmin-related myofibrillar myopathy. Last evaluated: 2022-11-09. Review status: criteria provided, single submitter. Criteria: Invitae Variant Classification Sherloc (09022015). Collection method: clinical testing. Allele origin: germline.
Comment: In summary, the available evidence is currently insufficient to determine the role of this variant in disease. Therefore, it has been classified as a Variant of Uncertain Significance. This sequence change replaces leucine, which is neutral and non-polar, with proline, which is neutral and non-polar, at codon 187 of the DES protein (p.Leu187Pro). This variant is not present in population databases (gnomAD no frequency). This variant has not been reported in the literature in individuals affected with DES-related conditions. ClinVar contains an entry for this variant (Variation ID: 1678019). Advanced modeling of protein sequence and biophysical properties (such as structural, functional, and spatial information, amino acid conservation, physicochemical variation, residue mobility, and thermodynamic stability) performed at Invitae indicates that this missense variant is expected to disrupt DES protein function.

AiLife Diagnostics
Classification: Uncertain significance. Last evaluated: 2022-03-07. Review status: criteria provided, single submitter. Criteria: ACMG Guidelines, 2015. Collection method: clinical testing. Allele origin: germline. Affected: yes. Observed: 1 variant allele.